The following is an entry in ClinVar:

ClinVar aggregate classification (germline): Uncertain significance (1 of 4 stars; one submission).

Conditions:
Familial type 5 hyperlipoproteinemia. Also called: HYPERCHYLOMICRONEMIA WITH HYPERPREBETALIPOPROTEINEMIA, FAMILIAL; Hyperlipoproteinemia Type V. Identifiers: Orphanet 530849, MedGen C0020481, MONDO:0007762, OMIM 144650.
Hypertriglyceridemia 1. Also called: Hypertriglyceridemia, familial. Identifiers: MedGen C5444012, MONDO:0007788, OMIM 145750.

Submission:

New York Genome Center
Classification: Uncertain significance for Hypertriglyceridemia 1; Familial type 5 hyperlipoproteinemia. Last evaluated: 2021-08-30. Review status: criteria provided, single submitter. Criteria: NYGC Assertion Criteria 2020. Collection method: clinical testing. Allele origin: germline. Observed: 1 heterozygote.
Comment: The c.1081A>C, p.Ser361Arg missense variant has not been reported in individual with APOA5-related disorders. This variant is absent from the gnomAD v3.1.1 database suggesting it is not a common benign variant in the populations represented in this database and in silico tools predict a conflicting interpretation of pathogenicity. Based on the available evidence, the variant c.1081A>C, p.Ser361Arg in the APOA5 gene is classified as a Variant of UncertainSignificance.

NM_001371904.1(APOA5):c.1081A>C (p.Ser361Arg)

Gene: APOA5 (apolipoprotein A5; minus strand). Cytogenetic location: 11q23.3.
Variant type: single nucleotide variant.
Coding change: c.1081A>C on transcript NM_001371904.1 (MANE Select); coding-DNA position 1081, A replaced by C.
Protein change: p.Ser361Arg; replaces serine 361 with arginine.
Molecular consequence: missense variant.
Genome position (GRCh38, 1-based): chr11:116,790,148, T>G on the plus strand (A>C on the coding strand, the complement: APOA5 is on the minus strand). VCF-style: chr11-116790148-T-G. GRCh37 (hg19) VCF-style: chr11-116660864-T-G.
Other names: c.1081A>C, p.Ser361Arg (NM_001166598.2, NM_052968.5); short protein forms S361R.
Identifiers: ClinVar variation 1803845 (VCV001803845.2), dbSNP rs2540243410, ClinGen allele CA382733939.
Genomic context (GRCh38, chr11:116,790,148, plus strand): 5'-CCAGACAAGGAGCTGGGAATGGGCCTGGGCAGGTAGATCCTCAGGGGTCCCCCAGATGGC[T>G]GTGGCCCTGGTCATGAAGGCTGTGAGTGATGTCTTCCCACAGGTCATCCAGACGGGCCTG-3'
Protein context (NP_001358833.1, residues 351-366): ITHSLHDQGH[Ser361Arg]HLGDP